The following is an entry in ClinVar:

ClinVar aggregate classification (germline): Likely pathogenic (1 of 4 stars; one submission).

Conditions:
Spinal muscular atrophy (SMA). Identifiers: MedGen C0026847, MeSH D009134, MONDO:0001516, HP:0007269.

Submission:

Rady Children's Institute for Genomic Medicine, Rady Children's Hospital San Diego
Classification: Likely pathogenic for SPINAL MUSCULAR ATROPHY. Last evaluated: 2019-06-17. Review status: criteria provided, single submitter. Criteria: ACMG Guidelines, 2015. Collection method: clinical testing. Allele origin: germline. Affected: yes.
Comment: This frameshifting variant in exon 1 of 15 introduces a premature stop codon and is therefore predicted to result in loss of normal protein function. This variant has not been previously reported or functionally characterized in the literature to our knowledge. It is absent from the ExAC and gnomAD population databases and thus is presumed to be rare. Based on the available evidence, the c.34_35insCC (p.Lys12ThrfsTer27) variant is classified as Likely Pathogenic.

NM_002180.3(IGHMBP2):c.34_35insCC (p.Lys12fs)

Gene: IGHMBP2 (immunoglobulin mu DNA binding protein 2; plus strand). Cytogenetic location: 11q13.3.
Variant type: Insertion.
Coding change: c.34_35insCC on transcript NM_002180.3 (MANE Select); coding-DNA positions 34 to 35, CC inserted.
Protein change: p.Lys12fs; shifts the reading frame from lysine 12.
Molecular consequence: frameshift variant.
Genome position: GRCh38 VCF-style: chr11-68903986-A-ACC. GRCh37 (hg19) VCF-style: chr11-68671454-A-ACC.
Other names: short protein forms K12fs.
Identifiers: ClinVar variation 986345 (VCV000986345.1), dbSNP rs1858067021, ClinGen allele CA1139662068.